The following is an entry in ClinVar:

NM_012338.4(TSPAN12):c.468+1G>A

Gene: TSPAN12 (tetraspanin 12; minus strand). Cytogenetic location: 7q31.31.
Variant type: single nucleotide variant.
Coding change: c.468+1G>A on transcript NM_012338.4 (MANE Select); the canonical splice donor site of the intron after coding-DNA position 468, G replaced by A.
Molecular consequence: splice donor variant.
Genome position (GRCh38, 1-based): chr7:120,810,462, C>T on the plus strand (G>A on the coding strand, the complement: TSPAN12 is on the minus strand). VCF-style: chr7-120810462-C-T. GRCh37 (hg19) VCF-style: chr7-120450516-C-T.
Identifiers: ClinVar variation 3658508 (VCV003658508.2).

ClinVar aggregate classification (germline): Likely pathogenic (1 of 4 stars; one submission).

gnomAD v4.1: 1 of 1,588,598 alleles (0.000063%); highest among the groups gnomAD compares: South Asian, 0.0011%; no homozygotes.

Submission:

Labcorp Genetics (formerly Invitae), Labcorp
Classification: Likely pathogenic. Last evaluated: 2024-07-02. Review status: criteria provided, single submitter. Criteria: Invitae Variant Classification Sherloc (09022015). Collection method: clinical testing. Allele origin: germline.
Comment: This sequence change affects a donor splice site in intron 6 of the TSPAN12 gene. It is expected to disrupt RNA splicing. Variants that disrupt the donor or acceptor splice site typically lead to a loss of protein function (PMID: 16199547), and loss-of-function variants in TSPAN12 are known to be pathogenic (PMID: 20159112, 21334594). This variant is present in population databases (rs774651541, gnomAD 0.003%). This variant has not been reported in the literature in individuals affected with TSPAN12-related conditions. Algorithms developed to predict the effect of sequence changes on RNA splicing suggest that this variant may disrupt the consensus splice site. In summary, the currently available evidence indicates that the variant is pathogenic, but additional data are needed to prove that conclusively. Therefore, this variant has been classified as Likely Pathogenic.

Literature cited by the submitters: PubMed 16199547; PubMed 20159112; PubMed 21334594.